The following is an entry in ClinVar:

NM_000780.4(CYP7A1):c.52C>G (p.Leu18Val)

Genes: CYP7A1 (cytochrome P450 family 7 subfamily A member 1; minus strand), LOC110596866 (CYP7A1 5' regulatory region; plus strand). Cytogenetic location: 8q12.1.
Variant type: single nucleotide variant.
Coding change: c.52C>G on transcript NM_000780.4 (MANE Select); coding-DNA position 52, C replaced by G.
Protein change: p.Leu18Val; replaces leucine 18 with valine.
Molecular consequence: missense variant.
Genome position (GRCh38, 1-based): chr8:58,500,047, G>C on the plus strand (C>G on the coding strand, the complement: CYP7A1 is on the minus strand). VCF-style: chr8-58500047-G-C. GRCh37 (hg19) VCF-style: chr8-59412606-G-C.
Other names: short protein forms L18V.
Identifiers: ClinVar variation 3665322 (VCV003665322.2).
Genomic context (GRCh38, chr8:58,500,047, plus strand): 5'-AAAGAGCAATTTAAAGATAAAACATTACTTACCTTCTCCTAATTCCAAGAATAAGCCATA[G>C]ACAACAGCATGCTGCTATAGCAATCCCCCAAATCAAAGATGTGGTCATCATTTTGCAAAT-3'
Protein context (NP_000771.2, residues 8-28): WGIAIAACCC[Leu18Val]WLILGIRRRQ

ClinVar aggregate classification (germline): Uncertain significance (1 of 4 stars; one submission).

Submission:

Labcorp Genetics (formerly Invitae), Labcorp
Classification: Uncertain significance. Last evaluated: 2024-05-21. Review status: criteria provided, single submitter. Criteria: Invitae Variant Classification Sherloc (09022015). Collection method: clinical testing. Allele origin: germline.
Comment: This sequence change replaces leucine, which is neutral and non-polar, with valine, which is neutral and non-polar, at codon 18 of the CYP7A1 protein (p.Leu18Val). This variant is present in population databases (rs778099251, gnomAD 0.007%). This variant has not been reported in the literature in individuals affected with CYP7A1-related conditions. An algorithm developed to predict the effect of missense changes on protein structure and function (PolyPhen-2) suggests that this variant is likely to be tolerated. In summary, the available evidence is currently insufficient to determine the role of this variant in disease. Therefore, it has been classified as a Variant of Uncertain Significance.